The following is an entry in ClinVar:

ClinVar aggregate classification (germline): Uncertain significance (1 of 4 stars; one submission).

Submission:

CeGaT Center for Human Genetics Tuebingen
Classification: Uncertain significance. Last evaluated: 2023-11-01. Review status: criteria provided, single submitter. Criteria: CeGaT Center For Human Genetics Tuebingen Variant Classification Criteria Version 2. Collection method: clinical testing. Allele origin: germline. Affected: yes. Observed: 1 variant allele.
Comment: BICRA: PM2, PP2

NM_001394372.1(BICRA):c.361G>C (p.Glu121Gln)

Gene: BICRA (BRD4 interacting chromatin remodeling complex associated protein; plus strand). Cytogenetic location: 19q13.33.
Variant type: single nucleotide variant.
Coding change: c.361G>C on transcript NM_001394372.1 (MANE Select); coding-DNA position 361, G replaced by C.
Protein change: p.Glu121Gln; replaces glutamic acid 121 with glutamine.
Molecular consequence: missense variant.
Genome position (GRCh38, 1-based): chr19:47,679,531, G>C. VCF-style: chr19-47679531-G-C. GRCh37 (hg19) VCF-style: chr19-48182788-G-C.
Other names: c.361G>C, p.Glu121Gln (NM_015711.3); short protein forms E121Q.
Identifiers: ClinVar variation 2672775 (VCV002672775.23), dbSNP rs1339426875, ClinGen allele CA406608862.